The following is an entry in ClinVar:

ClinVar aggregate classification (germline): Likely benign (1 of 4 stars; one submission).

Conditions:
KRT8-related disorder. Also called: KRT8-related condition.

Submission:

PreventionGenetics, part of Exact Sciences
Classification: Likely benign for KRT8-related condition. Last evaluated: 2025-08-31. Review status: criteria provided, single submitter. Criteria: ACMG Guidelines, 2015. Collection method: clinical testing. Allele origin: germline.
Comment: This variant is classified as likely benign based on ACMG/AMP sequence variant interpretation guidelines (Richards et al. 2015 PMID: 25741868, with internal and published modifications).

NM_002273.4(KRT8):c.690+6_690+11del

Gene: KRT8 (keratin 8; minus strand). Cytogenetic location: 12q13.13.
Variant type: Deletion.
Coding change: c.690+6_690+11del on transcript NM_002273.4 (MANE Select); bases 6 to 11 of the intron after coding-DNA position 690, 6 bases deleted (TTCCTG; older notation c.690+6_690+11delTTCCTG).
Molecular consequence: intron variant.
Genome position (GRCh38, 1-based): chr12:52,900,577-52,900,582, CAGGAA deleted on the plus strand (TTCCTG on the coding strand, the reverse complement: KRT8 is on the minus strand); deleting any 6 consecutive bases within chr12:52,900,577-52,900,584 gives the same sequence; the c. name uses the placement nearest the transcript's 3' end. VCF-style (leftmost placement, unchanged base first): chr12-52900576-CCAGGAA-C. GRCh37 (hg19) VCF-style: chr12-53294360-CCAGGAA-C.
Other names: c.690+6_690+11del (NM_001256293.2); c.774+6_774+11del (NM_001256282.2).
Identifiers: ClinVar variation 4992157 (VCV004992157.1).